The following is an entry in ClinVar:

NM_015072.5(TTLL5):c.3822A>G (p.Thr1274=)

Gene: TTLL5 (tubulin tyrosine ligase like 5; plus strand). Cytogenetic location: 14q24.3.
Variant type: single nucleotide variant.
Coding change: c.3822A>G on transcript NM_015072.5 (MANE Select); coding-DNA position 3822, A replaced by G.
Protein change: p.Thr1274=; no amino-acid change (threonine 1274 retained).
Molecular consequence: synonymous variant.
Genome position (GRCh38, 1-based): chr14:75,902,223, A>G. VCF-style: chr14-75902223-A-G. GRCh37 (hg19) VCF-style: chr14-76368566-A-G.
Identifiers: ClinVar variation 1416964 (VCV001416964.8), dbSNP rs2032954310, ClinGen allele CA487235477.
Genomic context (GRCh38, chr14:75,902,223, plus strand): 5'-GCTGAATGGACTCCAGAGCAGCCTTAACCCTGCAGCCTTTGTGCCCATCACCAGCTCTAC[A>G]GGTTAGTGGGCACCAGCTCTTCTGCAACTGGATAGATGACAGGGAAGGTGTTGGGCTTGG-3'
Protein context (NP_055887.3, residues 1264-1281): PAAFVPITSS[Thr1274=]DPAHTKI

ClinVar aggregate classification (germline): Uncertain significance (1 of 4 stars; one submission).

Allele frequency attached by ClinVar (database versions not stated): gnomAD exomes below 0.00001; TOPMed 0.00001.
gnomAD v4.1: 4 of 1,614,092 alleles (0.00025%); highest among the groups gnomAD compares: Admixed American, 0.0017%; no homozygotes.

Submission:

Labcorp Genetics (formerly Invitae), Labcorp
Classification: Uncertain significance. Last evaluated: 2022-08-16. Review status: criteria provided, single submitter. Criteria: Invitae Variant Classification Sherloc (09022015). Collection method: clinical testing. Allele origin: germline.
Comment: This sequence change affects codon 1274 of the TTLL5 mRNA. It is a 'silent' change, meaning that it does not change the encoded amino acid sequence of the TTLL5 protein. It affects a nucleotide within the consensus splice site. This variant is not present in population databases (gnomAD no frequency). This variant has not been reported in the literature in individuals affected with TTLL5-related conditions. ClinVar contains an entry for this variant (Variation ID: 1416964). Algorithms developed to predict the effect of sequence changes on RNA splicing suggest that this variant may disrupt the consensus splice site. In summary, the available evidence is currently insufficient to determine the role of this variant in disease. Therefore, it has been classified as a Variant of Uncertain Significance.